The following is an entry in ClinVar:

NM_001111.5(ADAR):c.3020-3C>G

Gene: ADAR (adenosine deaminase RNA specific; minus strand). Cytogenetic location: 1q21.3.
Variant type: single nucleotide variant.
Coding change: c.3020-3C>G on transcript NM_001111.5 (MANE Select); 3 bases into the intron before coding-DNA position 3020, C replaced by G.
Molecular consequence: intron variant.
Genome position (GRCh38, 1-based): chr1:154,586,366, G>C on the plus strand (C>G on the coding strand, the complement: ADAR is on the minus strand). VCF-style: chr1-154586366-G-C. GRCh37 (hg19) VCF-style: chr1-154558842-G-C.
Other names: c.3020-3C>G (LRG_1212t1); c.2135-3C>G (NM_001365046.1, NM_001025107.3, NM_001365048.1 and 2 more transcripts); c.3047-3C>G (NM_001365045.1); c.2057-3C>G (NM_001365049.1); c.2885-3C>G (NM_015841.4); c.2942-3C>G (NM_015840.4).
Identifiers: ClinVar variation 427090 (VCV000427090.2), dbSNP rs1085307951, ClinGen allele CA645293887.
Genomic context (GRCh38, chr1:154,586,366, plus strand): 5'-CGAATGCCATCCCACGTAGGCACAATGTCACTGGATTCCACAGGGATTGTGCCTTCTCCT[G>C]TGTGAGAGACTTGGGTCAGACCCACAGGCGCCAATGGACCAAACCACTCCCTGGCGTGGT-3'

ClinVar aggregate classification (germline): Likely pathogenic (1 of 4 stars; one submission).

Submission:

GeneDx
Classification: Likely pathogenic. Last evaluated: 2015-06-16. Review status: criteria provided, single submitter. Criteria: GeneDx Variant Classification (06012015). Collection method: clinical testing. Allele origin: germline. Affected: yes.
Comment: The c.3020-3C>G variant in the ADAR gene has not been reported previously as a disease-causing variant nor as a benign polymorphism, to our knowledge. The c.3020-3C>G variant, which occurs at a conserved nucleotide position, reduces the quality of the natural splice acceptor site in intron 11, and is predicted to create a new cryptic splice acceptor site within intron 11. The c.3020-3C>G variant was not observed in approximately 6500 individuals of European and African American ancestry in the NHLBI Exome Sequencing Project, indicating it is not a common benign variant in these populations. The c.3020-3C>G variant is a strong candidate for a disease-causing variant, however the possibility it may be a rare benign variant cannot be excluded.